The following is an entry in ClinVar:

NM_201596.3(CACNB2):c.895ATG[1] (p.Met300del)

Gene: CACNB2 (calcium voltage-gated channel auxiliary subunit beta 2; plus strand). Cytogenetic location: 10p12.31.
Variant type: Microsatellite.
Coding change: c.895ATG[1] on transcript NM_201596.3 (MANE Select); one copy of the 3-base unit ATG starting at c.895; the reference has two copies in a row; one copy, 3 bases deleted.
Protein change: p.Met300del; deletes methionine 300.
Molecular consequence: inframe deletion.
Genome position (GRCh38, 1-based): chr10:18,518,922-18,518,924, ATG deleted; deleting any 3 consecutive bases within chr10:18,518,919-18,518,924 gives the same sequence; the position shown is the placement nearest the transcript's 3' end. VCF-style (leftmost placement, unchanged base first): chr10-18518918-TATG-T. GRCh37 (hg19) VCF-style: chr10-18807847-TATG-T.
Other names: c.730ATG[1], p.Met245del (NM_000724.4); c.697ATG[1], p.Met234del (NM_001167945.2); c.616ATG[1], p.Met207del (NM_001330060.2); c.751ATG[1], p.Met252del (NM_201570.3); c.811ATG[1], p.Met272del (NM_201571.4); c.739ATG[1], p.Met248del (NM_201572.4); c.733ATG[1], p.Met246del (NM_201590.3); c.781ATG[1], p.Met262del (NM_201593.3); and 1 more; short protein forms M248del, M246del, M272del, M207del, M300del, M234del, M245del, M252del.
Identifiers: ClinVar variation 1036116 (VCV001036116.8), dbSNP rs2051551471, ClinGen allele CA1894180695.

ClinVar aggregate classification (germline): Uncertain significance (1 of 4 stars; one submission).

Conditions:
Brugada syndrome 4 (BRGDA4). Identifiers: Orphanet 130, MedGen C2678477, MONDO:0012743, OMIM 611876.

Submission:

Labcorp Genetics (formerly Invitae), Labcorp
Classification: Uncertain significance for Brugada syndrome 4. Last evaluated: 2023-08-17. Review status: criteria provided, single submitter. Criteria: Invitae Variant Classification Sherloc (09022015). Collection method: clinical testing. Allele origin: germline.
Comment: This variant, c.736_738del, results in the deletion of 1 amino acid(s) of the CACNB2 protein (p.Met246del), but otherwise preserves the integrity of the reading frame. This variant is not present in population databases (gnomAD no frequency). This variant has not been reported in the literature in individuals affected with CACNB2-related conditions. Experimental studies and prediction algorithms are not available or were not evaluated, and the functional significance of this variant is currently unknown. In summary, the available evidence is currently insufficient to determine the role of this variant in disease. Therefore, it has been classified as a Variant of Uncertain Significance.